The following is an entry in ClinVar:

NM_003482.4(KMT2D):c.7361C>T (p.Pro2454Leu)

Gene: KMT2D (lysine methyltransferase 2D; minus strand). Cytogenetic location: 12q13.12.
Variant type: single nucleotide variant.
Coding change: c.7361C>T on transcript NM_003482.4 (MANE Select); coding-DNA position 7361, C replaced by T.
Protein change: p.Pro2454Leu; replaces proline 2454 with leucine.
Molecular consequence: missense variant.
Genome position (GRCh38, 1-based): chr12:49,040,409, G>A on the plus strand (C>T on the coding strand, the complement: KMT2D is on the minus strand). VCF-style: chr12-49040409-G-A. GRCh37 (hg19) VCF-style: chr12-49434192-G-A.
Other names: short protein forms P2454L.
Identifiers: ClinVar variation 3690131 (VCV003690131.2).

ClinVar aggregate classification (germline): Uncertain significance (1 of 4 stars; one submission).

Conditions:
Kabuki syndrome. Also called: NIIKAWA-KUROKI SYNDROME; Kabuki make-up syndrome. Identifiers: Orphanet 2322, MedGen C0796004, MONDO:0016512.

gnomAD v4.1: 2 of 1,562,708 alleles (0.00013%); highest among the groups gnomAD compares: Admixed American, 0.0019%; no homozygotes.

Submission:

Labcorp Genetics (formerly Invitae), Labcorp
Classification: Uncertain significance for Kabuki syndrome. Last evaluated: 2025-01-09. Review status: criteria provided, single submitter. Criteria: Invitae Variant Classification Sherloc (09022015). Collection method: clinical testing. Allele origin: germline.
Comment: This sequence change replaces proline, which is neutral and non-polar, with leucine, which is neutral and non-polar, at codon 2454 of the KMT2D protein (p.Pro2454Leu). This variant is not present in population databases (gnomAD no frequency). This variant has not been reported in the literature in individuals affected with KMT2D-related conditions. Invitae Evidence Modeling of protein sequence and biophysical properties (such as structural, functional, and spatial information, amino acid conservation, physicochemical variation, residue mobility, and thermodynamic stability) has been performed for this missense variant. However, the output from this modeling did not meet the statistical confidence thresholds required to predict the impact of this variant on KMT2D protein function. In summary, the available evidence is currently insufficient to determine the role of this variant in disease. Therefore, it has been classified as a Variant of Uncertain Significance.